The following is an entry in ClinVar:

NM_000488.4(SERPINC1):c.883G>A (p.Val295Met)

Gene: SERPINC1 (serpin family C member 1; minus strand). Cytogenetic location: 1q25.1.
Variant type: single nucleotide variant.
Coding change: c.883G>A on transcript NM_000488.4 (MANE Select); coding-DNA position 883, G replaced by A.
Protein change: p.Val295Met; replaces valine 295 with methionine.
Molecular consequence: missense variant.
Genome position (GRCh38, 1-based): chr1:173,909,822, C>T on the plus strand (G>A on the coding strand, the complement: SERPINC1 is on the minus strand). VCF-style: chr1-173909822-C-T. GRCh37 (hg19) VCF-style: chr1-173878960-C-T.
Other names: c.739G>A, p.Val247Met (NM_001365052.2); short protein forms V247M, V295M.
Identifiers: ClinVar variation 3604798 (VCV003604798.2), dbSNP rs201381904.
Genomic context (GRCh38, chr1:173,909,822, plus strand): 5'-GGACCATGGTGATGTCATCACCTTTGAAGGGCAACTCAAGCACCTGGGTGCCTTCAGCCA[C>T]GCGCCGATAACGGAACTTGCCTTCCTGGTACATCATAGATGCTGAACACGACTCTCCATC-3'
Protein context (NP_000479.1, residues 285-305): YQEGKFRYRR[Val295Met]AEGTQVLELP

ClinVar aggregate classification (germline): Uncertain significance (1 of 4 stars; one submission).

Conditions:
Hereditary antithrombin deficiency (AT3D). Also called: Reduced antithrombin III activity; Antithrombin III deficiency; Thrombophilia due to antithrombin III deficiency; Antithrombin deficiency. Identifiers: Orphanet 82, MedGen C0272375, MONDO:0013144, OMIM 613118, HP:0001976.

Allele frequency attached by ClinVar (database versions not stated): TOPMed 0.00001; ExAC 0.00002; gnomAD exomes 0.00002; 1000 Genomes Project 0.00020.

Submission:

Labcorp Genetics (formerly Invitae), Labcorp
Classification: Uncertain significance for Hereditary antithrombin deficiency. Last evaluated: 2025-11-17. Review status: criteria provided, single submitter. Criteria: Invitae Variant Classification Sherloc (09022015). Collection method: clinical testing. Allele origin: germline.
Comment: This sequence change replaces valine, which is neutral and non-polar, with methionine, which is neutral and non-polar, at codon 295 of the SERPINC1 protein (p.Val295Met). This variant is present in population databases (rs201381904, gnomAD 0.006%). This missense change has been observed in individual(s) with venous thromboembolism (PMID: 25298121, 29137435, 40339963). ClinVar contains an entry for this variant (Variation ID: 3604798). Invitae Evidence Modeling of protein sequence and biophysical properties (such as structural, functional, and spatial information, amino acid conservation, physicochemical variation, residue mobility, and thermodynamic stability) has been performed for this missense variant. However, the output from this modeling did not meet the statistical confidence thresholds required to predict the impact of this variant on SERPINC1 protein function. Experimental studies are conflicting or provide insufficient evidence to determine the effect of this variant on SERPINC1 function (PMID: 40339963). In summary, the available evidence is currently insufficient to determine the role of this variant in disease. Therefore, it has been classified as a Variant of Uncertain Significance.

Literature cited by the submitters: PubMed 25298121; PubMed 29137435; PubMed 40339963.